The following is an entry in ClinVar:

ClinVar aggregate classification (germline): Uncertain significance. Review status: criteria provided, multiple submitters, no conflicts (2 of 4 stars). 2 submissions from 2 submitters: Uncertain significance (2). Last evaluated 2025-08-08.

Conditions:
Hereditary cancer-predisposing syndrome. Also called: Hereditary Cancer Syndrome; Tumor predisposition; Hereditary neoplastic syndrome; Neoplastic Syndromes, Hereditary. Identifiers: Orphanet 140162, MedGen C0027672, MeSH D009386, MONDO:0015356.

Allele frequency attached by ClinVar (database versions not stated): gnomAD exomes below 0.00001.
gnomAD v4.1: 2 of 1,614,012 alleles (0.00012%); highest among the groups gnomAD compares: Admixed American, 0.0033%; no homozygotes.

Submissions (2):

Ambry Genetics
Classification: Uncertain significance for Hereditary cancer-predisposing syndrome. Last evaluated: 2025-08-08. Review status: criteria provided, single submitter. Criteria: Ambry Variant Classification Scheme 2023. Collection method: clinical testing. Allele origin: germline.
Comment: The p.V591G variant (also known as c.1772T>G), located in coding exon 12 of the CTNNA1 gene, results from a T to G substitution at nucleotide position 1772. The valine at codon 591 is replaced by glycine, an amino acid with dissimilar properties. This amino acid position is conserved. In addition, this alteration is predicted to be deleterious by in silico analysis. Since supporting evidence is limited at this time, the clinical significance of this alteration remains unclear.

Labcorp Genetics (formerly Invitae), Labcorp
Classification: Uncertain significance. Last evaluated: 2024-11-27. Review status: criteria provided, single submitter. Criteria: Invitae Variant Classification Sherloc (09022015). Collection method: clinical testing. Allele origin: germline.
Comment: This sequence change replaces valine, which is neutral and non-polar, with glycine, which is neutral and non-polar, at codon 591 of the CTNNA1 protein (p.Val591Gly). This variant is not present in population databases (gnomAD no frequency). This variant has not been reported in the literature in individuals affected with CTNNA1-related conditions. ClinVar contains an entry for this variant (Variation ID: 1408672). Invitae Evidence Modeling of protein sequence and biophysical properties (such as structural, functional, and spatial information, amino acid conservation, physicochemical variation, residue mobility, and thermodynamic stability) has been performed for this missense variant. However, the output from this modeling did not meet the statistical confidence thresholds required to predict the impact of this variant on CTNNA1 protein function. In summary, the available evidence is currently insufficient to determine the role of this variant in disease. Therefore, it has been classified as a Variant of Uncertain Significance.

NM_001903.5(CTNNA1):c.1772T>G (p.Val591Gly)

Gene: CTNNA1 (catenin alpha 1; plus strand). Cytogenetic location: 5q31.2.
Variant type: single nucleotide variant.
Coding change: c.1772T>G on transcript NM_001903.5 (MANE Select); coding-DNA position 1772, T replaced by G.
Protein change: p.Val591Gly; replaces valine 591 with glycine.
Molecular consequence: missense variant.
Genome position (GRCh38, 1-based): chr5:138,925,280, T>G. VCF-style: chr5-138925280-T-G. GRCh37 (hg19) VCF-style: chr5-138260969-T-G.
Other names: c.1772T>G, p.Val591Gly (NM_001323982.2, NM_001323983.1, NM_001323984.2 and 2 more transcripts); c.1679T>G, p.Val560Gly (NM_001323986.2); c.662T>G, p.Val221Gly (NM_001323987.1, NM_001323988.1, NM_001323989.1 and 17 more transcripts); c.419T>G, p.Val140Gly (NM_001324012.1, NM_001324013.1); c.323T>G, p.Val108Gly (NM_001324006.1, NM_001324007.1, NM_001324008.1 and 2 more transcripts); c.569T>G, p.Val190Gly (NM_001324011.1); c.1772T>G (NM_001903.2); c.1463T>G, p.Val488Gly (NM_001290309.3); and 1 more; short protein forms V468G, V591G, V108G, V190G, V488G, V140G, V560G, V221G.
Identifiers: ClinVar variation 1408672 (VCV001408672.11), dbSNP rs1274677659, ClinGen allele CA361132175.
Genomic context (GRCh38, chr5:138,925,280, plus strand): 5'-CTGACCAGGGTATCTACTGTGCCTCTTTCTCCACAGTCATGCCACGTTTTACTGAGCAAG[T>G]AGAAGCAGCCGTGGAAGCCCTCAGCTCGGACCCTGCCCAGCCCATGGATGAGAATGAGTT-3'
Protein context (NP_001894.2, residues 581-601): NTVMPRFTEQ[Val591Gly]EAAVEALSSD